The following is an entry in ClinVar:

ClinVar aggregate classification (germline): Uncertain significance. Review status: criteria provided, multiple submitters, no conflicts (2 of 4 stars). 2 submissions from 2 submitters: Uncertain significance (2). Last evaluated 2024-07-29.

Allele frequency attached by ClinVar (database versions not stated): gnomAD exomes below 0.00001; TOPMed below 0.00001; gnomAD 0.00001.
gnomAD v4.1: 3 of 1,612,572 alleles (0.00019%); highest among the groups gnomAD compares: Non-Finnish European, 0.00025%; no homozygotes.

Submissions (2):

Labcorp Genetics (formerly Invitae), Labcorp
Classification: Uncertain significance. Last evaluated: 2024-07-29. Review status: criteria provided, single submitter. Criteria: Invitae Variant Classification Sherloc (09022015). Collection method: clinical testing. Allele origin: germline.
Comment: This sequence change replaces tryptophan, which is neutral and slightly polar, with arginine, which is basic and polar, at codon 1775 of the SI protein (p.Trp1775Arg). This variant is not present in population databases (gnomAD no frequency). This variant has not been reported in the literature in individuals affected with SI-related conditions. ClinVar contains an entry for this variant (Variation ID: 2107376). Advanced modeling of protein sequence and biophysical properties (such as structural, functional, and spatial information, amino acid conservation, physicochemical variation, residue mobility, and thermodynamic stability) has been performed at Invitae for this missense variant, however the output from this modeling did not meet the statistical confidence thresholds required to predict the impact of this variant on SI protein function. In summary, the available evidence is currently insufficient to determine the role of this variant in disease. Therefore, it has been classified as a Variant of Uncertain Significance.

Blueprint Genetics
Classification: Uncertain significance. Last evaluated: 2024-05-03. Review status: criteria provided, single submitter. Criteria: ACMG Guidelines, 2015. Collection method: clinical testing. Allele origin: germline.

NM_001041.4(SI):c.5323T>C (p.Trp1775Arg)

Gene: SI (sucrase-isomaltase; minus strand). Cytogenetic location: 3q26.1.
Variant type: single nucleotide variant.
Coding change: c.5323T>C on transcript NM_001041.4 (MANE Select); coding-DNA position 5323, T replaced by C.
Protein change: p.Trp1775Arg; replaces tryptophan 1775 with arginine.
Molecular consequence: missense variant.
Genome position (GRCh38, 1-based): chr3:164,982,335, A>G on the plus strand (T>C on the coding strand, the complement: SI is on the minus strand). VCF-style: chr3-164982335-A-G. GRCh37 (hg19) VCF-style: chr3-164700123-A-G.
Other names: short protein forms W1775R.
Identifiers: ClinVar variation 2107376 (VCV002107376.5), dbSNP rs1444747428, ClinGen allele CA355107535.
Genomic context (GRCh38, chr3:164,982,335, plus strand): 5'-AATTTTTATTTCCGTTATACGTTAGAGTAACTGCATTGACAGGAGTAGTTCCTTTCCCCC[A>G]TACATGAAGGGATCCAAGCCTCGTTTCACTTTTATTTATGTAACCTCTCTTCAATATAGT-3'
Protein context (NP_001032.2, residues 1765-1785): SETRLGSLHV[Trp1775Arg]GKGTTPVNAV